The following is an entry in ClinVar:

ClinVar aggregate classification (germline): Likely pathogenic (1 of 4 stars; one submission).

Conditions:
CFTR-related disorder (CFTR-RD). Also called: CFTR-related disorders; CFTR-related condition. Identifiers: MedGen C5924204, MONDO:7770004.

Submission:

Natera, Inc.
Classification: Likely pathogenic for CFTR-related disorders. Last evaluated: 2024-11-15. Review status: criteria provided, single submitter. Criteria: Natera Variant Classification Schema (03/2026). Collection method: clinical testing. Allele origin: germline.
Comment: The c.2532_2533del variant in CFTR is a frameshift variant predicted to shift the reading frame beginning at codon 845 and leads to a stop codon 50 codons downstream. This variant is expected to result in nonsense mediated decay, truncation, or a dysfunctional protein product. This variant is rare in the general population with a frequency below the threshold expected for the associated phenotype(s). Given the available evidence, this variant is classified as Likely Pathogenic.

NM_000492.4(CFTR):c.2532_2533del (p.Thr845fs)

Gene: CFTR (CF transmembrane conductance regulator; plus strand). Cytogenetic location: 7q31.2.
Variant type: Deletion.
Coding change: c.2532_2533del on transcript NM_000492.4 (MANE Select); coding-DNA positions 2532 to 2533, 2 bases deleted (TA; older notation c.2532_2533delTA).
Protein change: p.Thr845fs; shifts the reading frame from threonine 845.
Molecular consequence: frameshift variant.
Genome position (GRCh38, 1-based): chr7:117,594,971-117,594,972, TA deleted. VCF-style (leftmost placement, unchanged base first): chr7-117594970-CTA-C. GRCh37 (hg19) VCF-style: chr7-117235024-CTA-C.
Other names: c.2532_2533delTA, p.Thr845Metfs (NM_000492.3); short protein forms T845fs.
Identifiers: ClinVar variation 4818506 (VCV004818506.1).